The following is an entry in ClinVar:

NM_020631.6(PLEKHG5):c.2160G>A (p.Glu720=)

Gene: PLEKHG5 (pleckstrin homology and RhoGEF domain containing G5; minus strand). Cytogenetic location: 1p36.31.
Variant type: single nucleotide variant.
Coding change: c.2160G>A on transcript NM_020631.6 (MANE Select); coding-DNA position 2160, G replaced by A.
Protein change: p.Glu720=; no amino-acid change (glutamic acid 720 retained).
Molecular consequence: synonymous variant.
Genome position (GRCh38, 1-based): chr1:6,469,131, C>T on the plus strand (G>A on the coding strand, the complement: PLEKHG5 is on the minus strand). VCF-style: chr1-6469131-C-T. GRCh37 (hg19) VCF-style: chr1-6529191-C-T.
Other names: c.2271G>A, p.Glu757= (NM_001042663.3, NM_001265592.2); c.2160G>A, p.Glu720= (NM_001042664.2, NM_001042665.2, NM_001265594.3 and 1 more transcripts); c.2367G>A, p.Glu789= (NM_001265593.2).
Identifiers: ClinVar variation 284506 (VCV000284506.57), dbSNP rs867638588, ClinGen allele CA10604822.

ClinVar aggregate classification (germline): Conflicting classifications of pathogenicity. Review status: criteria provided, conflicting classifications (1 of 4 stars). 6 submissions from 6 submitters: Uncertain significance (2); Likely benign (4). Last evaluated 2026-06-01.

Conditions:
Inborn genetic diseases. Identifiers: MedGen C0950123, MeSH D030342.
Charcot-Marie-Tooth disease recessive intermediate C. Also called: CHARCOT-MARIE-TOOTH NEUROPATHY, RECESSIVE INTERMEDIATE C. Identifiers: Orphanet 369867, MedGen C3809309, MONDO:0014154, OMIM 615376.
Neuronopathy, distal hereditary motor, autosomal recessive 4. Also called: Autosomal recessive lower motor neuron disease with childhood onset; NEUROPATHY, DISTAL HEREDITARY MOTOR, AUTOSOMAL RECESSIVE 4. Identifiers: Orphanet 206580, MedGen C1970211, MONDO:0012608, OMIM 611067.

Submissions (6):

CeGaT Center for Human Genetics Tuebingen
Classification: Likely benign. Last evaluated: 2026-06-01. Review status: criteria provided, single submitter. Criteria: CeGaT Center For Human Genetics Tuebingen Variant Classification Criteria Version 2. Collection method: clinical testing. Allele origin: germline. Affected: yes. Observed: 5 variant alleles.
Comment: PLEKHG5: PM2:Supporting, BP4, BP7

Labcorp Genetics (formerly Invitae), Labcorp
Classification: Likely benign for Neuronopathy, distal hereditary motor, autosomal recessive 4; Charcot-Marie-Tooth disease recessive intermediate C. Last evaluated: 2026-01-31. Review status: criteria provided, single submitter. Criteria: Invitae Variant Classification Sherloc (09022015). Collection method: clinical testing. Allele origin: germline.

Women's Health and Genetics/Laboratory Corporation of America, LabCorp
Classification: Likely benign. Last evaluated: 2023-09-27. Review status: criteria provided, single submitter. Criteria: LabCorp Variant Classification Summary - May 2015. Collection method: clinical testing. Allele origin: germline.

Ambry Genetics
Classification: Likely benign for Inborn genetic diseases. Last evaluated: 2019-07-11. Review status: criteria provided, single submitter. Criteria: Ambry Variant Classification Scheme 2023. Collection method: clinical testing. Allele origin: germline.

Illumina Laboratory Services, Illumina
Classification: Uncertain significance for Neuronopathy, distal hereditary motor, autosomal recessive 4. Last evaluated: 2018-01-13. Review status: criteria provided, single submitter. Criteria: ICSL Variant Classification Criteria 13 December 2019. Collection method: clinical testing. Allele origin: germline.

Eurofins Ntd Llc (ga)
Classification: Uncertain significance. Last evaluated: 2016-07-26. Review status: criteria provided, single submitter. Criteria: EGL Classification Definitions 2015. Collection method: clinical testing. Allele origin: germline. Observed: 3 variant alleles, 3 heterozygotes.